The following is an entry in ClinVar:

NM_003738.5(PTCH2):c.2553dup (p.Pro852fs)

Gene: PTCH2 (patched 2; minus strand). Cytogenetic location: 1p34.1.
Variant type: Duplication.
Coding change: c.2553dup on transcript NM_003738.5 (MANE Select); coding-DNA position 2553, one base duplicated (T; older notation c.2553dupT).
Protein change: p.Pro852fs; shifts the reading frame from proline 852.
Molecular consequence: frameshift variant.
Genome position (GRCh38, 1-based): chr1:44,827,044, A duplicated on the plus strand (T on the coding strand, the reverse complement: PTCH2 is on the minus strand); the first of 2 consecutive A bases (chr1:44,827,044-44,827,045); duplicating either gives the same sequence. VCF-style (leftmost placement, unchanged base first): chr1-44827043-G-GA. GRCh37 (hg19) VCF-style: chr1-45292715-G-GA.
Other names: c.2553dup, p.Pro852fs (NM_001166292.2); short protein forms P852fs.
Identifiers: ClinVar variation 2151579 (VCV002151579.4), dbSNP rs748351060, ClinGen allele CA822967.

ClinVar aggregate classification (germline): Uncertain significance (1 of 4 stars; one submission).

Conditions:
Gorlin syndrome. Also called: Nevoid Basal Cell Carcinoma Syndrome; Basal cell nevus syndrome. Identifiers: Orphanet 377, MedGen C0004779, MONDO:0007187.

Submission:

Labcorp Genetics (formerly Invitae), Labcorp
Classification: Uncertain significance for Gorlin syndrome. Last evaluated: 2024-12-23. Review status: criteria provided, single submitter. Criteria: Invitae Variant Classification Sherloc (09022015). Collection method: clinical testing. Allele origin: germline.
Comment: This sequence change creates a premature translational stop signal (p.Pro852Serfs*16) in the PTCH2 gene. It is expected to result in an absent or disrupted protein product. However, the current clinical and genetic evidence is not sufficient to establish whether loss-of-function variants in PTCH2 cause disease. This variant is present in population databases (rs748351060, gnomAD 0.03%), and has an allele count higher than expected for a pathogenic variant. This variant has not been reported in the literature in individuals affected with PTCH2-related conditions. ClinVar contains an entry for this variant (Variation ID: 2151579). In summary, the available evidence is currently insufficient to determine the role of this variant in disease. Therefore, it has been classified as a Variant of Uncertain Significance.